The following is an entry in ClinVar:

NM_007294.4(BRCA1):c.2170_2172delinsTCC (p.Pro724Ser)

Gene: BRCA1 (BRCA1 DNA repair associated; minus strand). Cytogenetic location: 17q21.31.
Variant type: Indel.
Coding change: c.2170_2172delinsTCC on transcript NM_007294.4 (MANE Select); coding-DNA positions 2170 to 2172, CCT replaced by TCC.
Protein change: p.Pro724Ser; replaces proline 724 with serine.
Molecular consequence: missense variant. On other transcripts: intron variant (137).
Genome position (GRCh38, 1-based): chr17:43,093,359-43,093,361, AGG replaced by GGA on the plus strand (CCT replaced by TCC on the coding strand, the reverse complement: BRCA1 is on the minus strand). VCF-style: chr17-43093359-AGG-GGA. GRCh37 (hg19) VCF-style: chr17-41245376-AGG-GGA.
Other names: c.2170_2172delinsTCC (NM_007294.3); c.2089_2091delinsTCC, p.Pro697Ser (NM_001407662.1, NM_001407659.1, NM_001407660.1 and 1 more transcripts); c.2092_2094delinsTCC, p.Pro698Ser (NM_001407663.1, NM_001407653.1, NM_001407654.1 and 4 more transcripts); c.2047_2049delinsTCC, p.Pro683Ser (NM_001407664.1, NM_001407665.1, NM_001407666.1 and 19 more transcripts); c.2044_2046delinsTCC, p.Pro682Ser (NM_001407670.1, NM_001407671.1, NM_001407672.1 and 11 more transcripts); c.2170_2172delinsTCC, p.Pro724Ser (NM_001407684.1, NM_001407854.1, NM_001407858.1 and 30 more transcripts); c.2029_2031delinsTCC, p.Pro677Ser (NM_001407692.1, NM_001407694.1, NM_001407695.1 and 29 more transcripts); c.2026_2028delinsTCC, p.Pro676Ser (NM_001407740.1, NM_001407741.1, NM_001407742.1 and 20 more transcripts); and 42 more; short protein forms P597S, P635S, P656S, P682S, P697S, P721S, P654S, P723S.
Identifiers: ClinVar variation 1787082 (VCV001787082.6), dbSNP rs2552192456, ClinGen allele CA2580094075.

ClinVar aggregate classification (germline): Conflicting classifications of pathogenicity. Review status: criteria provided, conflicting classifications (1 of 4 stars). 3 submissions from 3 submitters: Uncertain significance (2); Likely benign (1). Last evaluated 2025-09-15.

Conditions:
Hereditary cancer-predisposing syndrome. Also called: Neoplastic Syndromes, Hereditary; Tumor predisposition; Hereditary Cancer Syndrome; Hereditary neoplastic syndrome. Identifiers: Orphanet 140162, MedGen C0027672, MeSH D009386, MONDO:0015356.

Submissions (3):

Ambry Genetics
Classification: Uncertain significance for Hereditary cancer-predisposing syndrome. Last evaluated: 2025-09-15. Review status: criteria provided, single submitter. Criteria: Ambry Variant Classification Scheme 2023. Collection method: clinical testing. Allele origin: germline.
Comment: The c.2170_2172delCCTinsTCC variant (also known as p.P724S), located in coding exon 9 of the BRCA1 gene, results from an in-frame deletion of CCT and insertion of TCC at nucleotide positions 2170 to 2172. This results in the substitution of the proline residue for a serine residue at codon 724, an amino acid with similar properties. This amino acid position is not well conserved in available vertebrate species. In addition, the in silico prediction for this alteration is inconclusive. Based on the available evidence, the clinical significance of this variant remains unclear.

GeneDx
Classification: Uncertain significance. Last evaluated: 2023-07-31. Review status: criteria provided, single submitter. Criteria: GeneDx Variant Classification Process June 2021. Collection method: clinical testing. Allele origin: germline. Affected: yes.
Comment: Not observed at significant frequency in large population cohorts (gnomAD); In silico analysis is inconclusive as to whether the variant alters protein function. In the absence of functional studies, the actual effect of this sequence change is unknown.; Has not been previously published as pathogenic or benign to our knowledge; Also known as 2289_2290delinsTCC; This variant is associated with the following publications: (PMID: 31911673, 15343273)

University of Washington Department of Laboratory Medicine, University of Washington
Classification: Likely benign for Hereditary cancer-predisposing syndrome. Last evaluated: 2023-03-23. Review status: criteria provided, single submitter. Criteria: Dines et al. (Genet Med. 2020). Collection method: curation. Allele origin: germline.
Comment: Missense variant in a coldspot region where missense variants are very unlikely to be pathogenic (PMID:31911673).

BRCA1 coldspot (exon 11 using historical exon numbering). Reclassification based on statistical prior probability